The following is an entry in ClinVar:

NM_003002.4(SDHD):c.125A>G (p.Glu42Gly)

Gene: SDHD (succinate dehydrogenase complex subunit D; plus strand). Cytogenetic location: 11q23.1.
Variant type: single nucleotide variant.
Coding change: c.125A>G on transcript NM_003002.4 (MANE Select); coding-DNA position 125, A replaced by G.
Protein change: p.Glu42Gly; replaces glutamic acid 42 with glycine.
Molecular consequence: missense variant. On other transcripts: non-coding transcript variant (1), intron variant (1).
Genome position (GRCh38, 1-based): chr11:112,087,929, A>G. VCF-style: chr11-112087929-A-G. GRCh37 (hg19) VCF-style: chr11-111958653-A-G.
Other names: c.125A>G, p.Glu42Gly (NM_001276503.2, NM_001276506.2); c.53-938A>G (NM_001276504.2); short protein forms E42G.
Identifiers: ClinVar variation 2567226 (VCV002567226.5), dbSNP rs2498900089, ClinGen allele CA382617036.

ClinVar aggregate classification (germline): Conflicting classifications of pathogenicity. Review status: criteria provided, conflicting classifications (1 of 4 stars). 2 submissions from 2 submitters: Uncertain significance (1); Likely benign (1). Last evaluated 2023-11-11.

Conditions:
Cowden syndrome 3 (CWS3). Identifiers: Orphanet 201, MedGen CN166604, MONDO:0014045.
Carney-Stratakis syndrome. Also called: PARAGANGLIOMA AND GASTROINTESTINAL STROMAL TUMOR. Identifiers: Orphanet 97286, MedGen C1847319, MONDO:0011740, OMIM 606864.
Pheochromocytoma. Also called: MAX-Related Hereditary Paraganglioma-Pheochromocytoma Syndrome. Identifiers: Orphanet 29072, MedGen C0031511, MONDO:0008233, OMIM 171300, HP:0002666.
Paragangliomas with sensorineural hearing loss. Identifiers: MedGen C1868633.
Hereditary cancer-predisposing syndrome. Also called: Hereditary neoplastic syndrome; Hereditary Cancer Syndrome; Neoplastic Syndromes, Hereditary; Tumor predisposition. Identifiers: Orphanet 140162, MedGen C0027672, MeSH D009386, MONDO:0015356.

Allele frequency attached by ClinVar (database versions not stated): gnomAD exomes below 0.00001.

Submissions (2):

Labcorp Genetics (formerly Invitae), Labcorp
Classification: Uncertain significance for Carney-Stratakis syndrome; Paragangliomas with sensorineural hearing loss; Pheochromocytoma; Cowden syndrome 3. Last evaluated: 2023-11-11. Review status: criteria provided, single submitter. Criteria: Invitae Variant Classification Sherloc (09022015). Collection method: clinical testing. Allele origin: germline.
Comment: This sequence change replaces glutamic acid, which is acidic and polar, with glycine, which is neutral and non-polar, at codon 42 of the SDHD protein (p.Glu42Gly). This variant is not present in population databases (gnomAD no frequency). This variant has not been reported in the literature in individuals affected with SDHD-related conditions. ClinVar contains an entry for this variant (Variation ID: 2567226). Algorithms developed to predict the effect of missense changes on protein structure and function output the following: SIFT: "Not Available"; PolyPhen-2: "Benign"; Align-GVGD: "Not Available". The glycine amino acid residue is found in multiple mammalian species, which suggests that this missense change does not adversely affect protein function. In summary, the available evidence is currently insufficient to determine the role of this variant in disease. Therefore, it has been classified as a Variant of Uncertain Significance.

Ambry Genetics
Classification: Likely benign for Hereditary cancer-predisposing syndrome. Last evaluated: 2023-04-09. Review status: criteria provided, single submitter. Criteria: Ambry Variant Classification Scheme 2023. Collection method: clinical testing. Allele origin: germline.